The following is an entry in ClinVar:

ClinVar aggregate classification (germline): Uncertain significance (1 of 4 stars; one submission).

Conditions:
Encephalopathy, acute, infection-induced (herpes-specific), susceptibility to, 6. Also called: Herpes simplex encephalitis, susceptibility to, 4. Identifiers: Orphanet 1930, MedGen C3553869, MONDO:0013921, OMIM 614850.

Allele frequency attached by ClinVar (database versions not stated): gnomAD 0.00001; gnomAD exomes 0.00002; TOPMed 0.00002; ExAC 0.00006.
gnomAD v4.1: 23 of 1,613,696 alleles (0.0014%); highest among the groups gnomAD compares: Admixed American, 0.038%; no homozygotes.

Submission:

Labcorp Genetics (formerly Invitae), Labcorp
Classification: Uncertain significance for Encephalopathy, acute, infection-induced (herpes-specific), susceptibility to, 6. Last evaluated: 2023-11-27. Review status: criteria provided, single submitter. Criteria: Invitae Variant Classification Sherloc (09022015). Collection method: clinical testing. Allele origin: germline.
Comment: This sequence change replaces aspartic acid, which is acidic and polar, with asparagine, which is neutral and polar, at codon 289 of the TICAM1 protein (p.Asp289Asn). This variant is present in population databases (rs776106254, gnomAD 0.06%). This variant has not been reported in the literature in individuals affected with TICAM1-related conditions. ClinVar contains an entry for this variant (Variation ID: 2414721). Algorithms developed to predict the effect of missense changes on protein structure and function output the following: SIFT: "Not Available"; PolyPhen-2: "Benign"; Align-GVGD: "Not Available". The asparagine amino acid residue is found in multiple mammalian species, which suggests that this missense change does not adversely affect protein function. In summary, the available evidence is currently insufficient to determine the role of this variant in disease. Therefore, it has been classified as a Variant of Uncertain Significance.

NM_182919.4(TICAM1):c.865G>A (p.Asp289Asn)

Gene: TICAM1 (TIR domain containing adaptor molecule 1; minus strand). Cytogenetic location: 19p13.3.
Variant type: single nucleotide variant.
Coding change: c.865G>A on transcript NM_182919.4 (MANE Select); coding-DNA position 865, G replaced by A.
Protein change: p.Asp289Asn; replaces aspartic acid 289 with asparagine.
Molecular consequence: missense variant.
Genome position (GRCh38, 1-based): chr19:4,817,513, C>T on the plus strand (G>A on the coding strand, the complement: TICAM1 is on the minus strand). VCF-style: chr19-4817513-C-T. GRCh37 (hg19) VCF-style: chr19-4817525-C-T.
Other names: c.823G>A, p.Asp275Asn (NM_001385678.1); c.730G>A, p.Asp244Asn (NM_001385679.1); c.223G>A, p.Asp75Asn (NM_001385680.1); short protein forms D244N, D275N, D289N, D75N.
Identifiers: ClinVar variation 2414721 (VCV002414721.5), dbSNP rs776106254, ClinGen allele CA9105264.